The following is an entry in ClinVar:

ClinVar aggregate classification (germline): Pathogenic/Likely pathogenic. Review status: criteria provided, multiple submitters, no conflicts (2 of 4 stars). 2 submissions from 2 submitters: Pathogenic (1); Likely pathogenic (1). Last evaluated 2025-08-11.

Conditions:
Deficiency of acetyl-CoA acetyltransferase. Also called: 3-KETOTHIOLASE DEFICIENCY; 3-OXOTHIOLASE DEFICIENCY; MITOCHONDRIAL ACETOACETYL-CoA THIOLASE DEFICIENCY; Beta-ketothiolase deficiency. Identifiers: Orphanet 134, MedGen C1536500, MONDO:0008760, OMIM 203750. Disease mechanism: loss of function.

Submissions (2):

Labcorp Genetics (formerly Invitae), Labcorp
Classification: Pathogenic for Deficiency of acetyl-CoA acetyltransferase. Last evaluated: 2025-08-11. Review status: criteria provided, single submitter. Criteria: Invitae Variant Classification Sherloc (09022015). Collection method: clinical testing. Allele origin: germline.
Comment: This sequence change creates a premature translational stop signal (p.Gln372*) in the ACAT1 gene. It is expected to result in an absent or disrupted protein product. Loss-of-function variants in ACAT1 are known to be pathogenic (PMID: 7749408). This variant is not present in population databases (gnomAD no frequency). This variant has not been reported in the literature in individuals affected with ACAT1-related conditions. ClinVar contains an entry for this variant (Variation ID: 1439830). For these reasons, this variant has been classified as Pathogenic.

Baylor Genetics
Classification: Likely pathogenic for Deficiency of acetyl-CoA acetyltransferase. Last evaluated: 2022-12-21. Review status: criteria provided, single submitter. Criteria: ACMG Guidelines, 2015. Collection method: clinical testing. Allele origin: unknown.

Literature cited by the submitters: PubMed 7749408 (cited by Labcorp Genetics (formerly Invitae), Labcorp).

NM_000019.4(ACAT1):c.1114C>T (p.Gln372Ter)

Gene: ACAT1 (acetyl-CoA acetyltransferase 1; plus strand). Cytogenetic location: 11q22.3.
Variant type: single nucleotide variant.
Coding change: c.1114C>T on transcript NM_000019.4 (MANE Select); coding-DNA position 1114, C replaced by T.
Protein change: p.Gln372Ter; replaces glutamine 372 with a stop codon.
Molecular consequence: nonsense. On other transcripts: non-coding transcript variant (2).
Genome position (GRCh38, 1-based): chr11:108,146,310, C>T. VCF-style: chr11-108146310-C-T. GRCh37 (hg19) VCF-style: chr11-108017037-C-T.
Other names: c.1114C>T, p.Gln372Ter (NM_001386677.1); c.799C>T, p.Gln267Ter (NM_001386678.1); c.817C>T, p.Gln273Ter (NM_001386679.1); c.844C>T, p.Gln282Ter (NM_001386681.1, NM_001386682.1, NM_001386685.1 and 6 more transcripts); short protein forms Q267*, Q372*, Q273*, Q282*.
Identifiers: ClinVar variation 1439830 (VCV001439830.7), dbSNP rs2134791667, ClinGen allele CA382508577.